The following is an entry in ClinVar:

ClinVar aggregate classification (germline): Uncertain significance (1 of 4 stars; one submission).

Conditions:
Familial focal epilepsy with variable foci (FPEVF). Identifiers: Orphanet 98820, MedGen C1858477, MONDO:0020310.

Submission:

Labcorp Genetics (formerly Invitae), Labcorp
Classification: Uncertain significance for Familial focal epilepsy with variable foci. Last evaluated: 2025-04-01. Review status: criteria provided, single submitter. Criteria: Invitae Variant Classification Sherloc (09022015). Collection method: clinical testing. Allele origin: germline.
Comment: This sequence change replaces proline, which is neutral and non-polar, with leucine, which is neutral and non-polar, at codon 282 of the DEPDC5 protein (p.Pro282Leu). This variant is not present in population databases (gnomAD no frequency). This variant has not been reported in the literature in individuals affected with DEPDC5-related conditions. Experimental studies and prediction algorithms are not available or were not evaluated, and the functional significance of this variant is currently unknown. In summary, the available evidence is currently insufficient to determine the role of this variant in disease. Therefore, it has been classified as a Variant of Uncertain Significance.

NM_001242896.3(DEPDC5):c.845C>T (p.Pro282Leu)

Gene: DEPDC5 (DEP domain containing 5, GATOR1 subcomplex subunit; plus strand). Cytogenetic location: 22q12.2.
Variant type: single nucleotide variant.
Coding change: c.845C>T on transcript NM_001242896.3 (MANE Select); coding-DNA position 845, C replaced by T.
Protein change: p.Pro282Leu; replaces proline 282 with leucine.
Molecular consequence: missense variant. On other transcripts: non-coding transcript variant (5).
Genome position (GRCh38, 1-based): chr22:31,797,677, C>T. VCF-style: chr22-31797677-C-T. GRCh37 (hg19) VCF-style: chr22-32193663-C-T.
Other names: c.845C>T, p.Pro282Leu (NM_001007188.4, NM_001136029.4, NM_001242897.2 and 7 more transcripts); c.761C>T, p.Pro254Leu (NM_001369901.1, NM_001369902.1); short protein forms P282L, P254L.
Identifiers: ClinVar variation 4698855 (VCV004698855.1).
Genomic context (GRCh38, chr22:31,797,677, plus strand): 5'-AGAGAAGAGAAGAATGGACTTCACTTCTCGTAACCATTAAAAAACTCTTCATCCAGTATC[C>T]AGTGTTGGTGCGACTGGAACAGGCAGGTACTGCATTCATGTAATAGATGGTGCGGCGGGG-3'
Protein context (NP_001229825.1, residues 272-292): VTIKKLFIQY[Pro282Leu]VLVRLEQAEG